The following is an entry in ClinVar:

ClinVar aggregate classification (germline): Uncertain significance (1 of 4 stars; one submission).

Submission:

GeneDx
Classification: Uncertain significance. Last evaluated: 2022-10-07. Review status: criteria provided, single submitter. Criteria: GeneDx Variant Classification Process June 2021. Collection method: clinical testing. Allele origin: germline. Affected: yes.
Comment: Not observed at significant frequency in large population cohorts (gnomAD); In silico analysis supports that this missense variant has a deleterious effect on protein structure/function; Has not been previously published as pathogenic or benign to our knowledge

NM_001122764.3(PPOX):c.427G>A (p.Asp143Asn)

Gene: PPOX (protoporphyrinogen oxidase; plus strand). Cytogenetic location: 1q23.3.
Variant type: single nucleotide variant.
Coding change: c.427G>A on transcript NM_001122764.3 (MANE Select); coding-DNA position 427, G replaced by A.
Protein change: p.Asp143Asn; replaces aspartic acid 143 with asparagine.
Molecular consequence: missense variant. On other transcripts: 5 prime UTR variant (4), intron variant (2).
Genome position (GRCh38, 1-based): chr1:161,168,083, G>A. VCF-style: chr1-161168083-G-A. GRCh37 (hg19) VCF-style: chr1-161137873-G-A.
Other names: c.427G>A, p.Asp143Asn (NM_000309.5, NM_001365398.1, NM_001365399.1); c.-1G>A (NM_001350129.2, NM_001365400.1); c.-60G>A (NM_001350130.2, NM_001365401.1); c.354-330G>A (NM_001350128.2); c.-34-330G>A (NM_001350131.2); short protein forms D143N.
Identifiers: ClinVar variation 2497988 (VCV002497988.1), dbSNP rs2525234704, ClinGen allele CA343353560.
Genomic context (GRCh38, chr1:161,168,083, plus strand): 5'-TCCAAACCTCTGTTTTGGGCTGGGCTGAGGGAGCTGACCAAGCCCCGGGGCAAAGAGCCT[G>A]ATGAGACTGTGCACAGTTTTGCCCAGCGCCGCCTTGGACCTGAGGTGACACTTGCCCAGA-3'
Protein context (NP_001116236.1, residues 133-153): ELTKPRGKEP[Asp143Asn]ETVHSFAQRR